The following is an entry in ClinVar:

ClinVar aggregate classification (germline): Uncertain significance. Review status: criteria provided, multiple submitters, no conflicts (2 of 4 stars). 4 submissions from 4 submitters: Uncertain significance (4). Last evaluated 2025-08-20.

Conditions:
Long QT syndrome (LQTS). Identifiers: MedGen C0023976, MeSH D008133, MONDO:0002442. Disease mechanism: loss of function. Inheritance: Various modes of inheritance.
Cardiac arrhythmia. Also called: Arrhythmia; Cardiac rhythm disease. Identifiers: MedGen C0003811, MONDO:0007263, HP:0011675.

Submissions (4):

Color Diagnostics, LLC DBA Color Health
Classification: Uncertain significance for Cardiac arrhythmia. Last evaluated: 2025-08-20. Review status: criteria provided, single submitter. Criteria: ACMG Guidelines, 2015. Collection method: clinical testing. Allele origin: germline.
Comment: This missense variant replaces threonine with alanine at codon 624 of the KCNQ1 protein. Computational prediction is inconclusive regarding the impact of this variant on protein structure and function. To our knowledge, functional studies have not been reported for this variant. This variant has been reported in an individual suspected of having long QT syndrome (PMID: 23631430). This variant has not been identified in the general population by the Genome Aggregation Database (gnomAD). The available evidence is insufficient to determine the role of this variant in disease conclusively. Therefore, this variant is classified as a Variant of Uncertain Significance.

GeneDx
Classification: Uncertain significance. Last evaluated: 2025-02-18. Review status: criteria provided, single submitter. Criteria: GeneDx Variant Classification Process June 2021. Collection method: clinical testing. Allele origin: germline. Affected: yes.
Comment: Identified in a patient with suspected Long QT Syndrome in the literature; however, detailed clinical information and familial segregation were not provided (PMID: 23631430); Not observed at significant frequency in large population cohorts (gnomAD); In silico analysis indicates that this missense variant does not alter protein structure/function; This variant is associated with the following publications: (PMID: Rida2023[casereport], 23631430)

Labcorp Genetics (formerly Invitae), Labcorp
Classification: Uncertain significance for Long QT syndrome. Last evaluated: 2024-12-02. Review status: criteria provided, single submitter. Criteria: Invitae Variant Classification Sherloc (09022015). Collection method: clinical testing. Allele origin: germline.
Comment: This sequence change replaces threonine, which is neutral and polar, with alanine, which is neutral and non-polar, at codon 624 of the KCNQ1 protein (p.Thr624Ala). This variant is not present in population databases (gnomAD no frequency). This missense change has been observed in individual(s) with long QT syndrome (PMID: 23631430; internal data). ClinVar contains an entry for this variant (Variation ID: 1302913). Invitae Evidence Modeling of protein sequence and biophysical properties (such as structural, functional, and spatial information, amino acid conservation, physicochemical variation, residue mobility, and thermodynamic stability) indicates that this missense variant is not expected to disrupt KCNQ1 protein function with a negative predictive value of 95%. In summary, the available evidence is currently insufficient to determine the role of this variant in disease. Therefore, it has been classified as a Variant of Uncertain Significance.

All of Us Research Program, National Institutes of Health
Classification: Uncertain significance for Long QT syndrome. Last evaluated: 2023-06-26. Review status: criteria provided, single submitter. Criteria: ACMG Guidelines, 2015. Collection method: clinical testing. Allele origin: germline. Inheritance: Autosomal dominant inheritance. Observed: 1 variant allele, 1 heterozygote.
Comment: This missense variant replaces threonine with alanine at codon 624 of the KCNQ1 protein. Computational prediction is inconclusive regarding the impact of this variant on protein structure and function (internally defined REVEL score threshold 0.5 < inconclusive < 0.7, PMID: 27666373). To our knowledge, functional studies have not been reported for this variant. This variant has been reported in an individual suspected of having long QT syndrome (PMID: 23631430). This variant has not been identified in the general population by the Genome Aggregation Database (gnomAD). The available evidence is insufficient to determine the role of this variant in disease conclusively. Therefore, this variant is classified as a Variant of Uncertain Significance.

This study involves interpretation of variants in research participants for the purpose of population health screening. Participant phenotype was not available at the time of variant classification. Additional details can be found in publication PMID: 35346344, PMCID: PMC8962531

Literature cited by the submitters: PubMed 23631430 (cited by 3 submitters).

NM_000218.3(KCNQ1):c.1870A>G (p.Thr624Ala)

Genes: KCNQ1 (potassium voltage-gated channel subfamily Q member 1; plus strand), KCNQ1-AS1 (KCNQ1 antisense RNA 1; minus strand). Cytogenetic location: 11p15.4.
Variant type: single nucleotide variant.
Coding change: c.1870A>G on transcript NM_000218.3 (MANE Select); coding-DNA position 1870, A replaced by G.
Protein change: p.Thr624Ala; replaces threonine 624 with alanine.
Molecular consequence: missense variant.
Genome position (GRCh38, 1-based): chr11:2,847,842, A>G. VCF-style: chr11-2847842-A-G. GRCh37 (hg19) VCF-style: chr11-2869072-A-G.
Other names: c.1774A>G, p.Thr592Ala (NM_001406836.1); c.1600A>G, p.Thr534Ala (NM_001406837.1); c.1330A>G, p.Thr444Ala (NM_001406838.1); c.382A>G, p.Thr128Ala (NM_001406839.1); c.1489A>G, p.Thr497Ala (NM_181798.2); short protein forms T497A, T624A, T128A, T592A, T444A, T534A.
Identifiers: ClinVar variation 1302913 (VCV001302913.12), dbSNP rs1590130223, ClinGen allele CA379140332.